The following is an entry in ClinVar:

NM_000548.5(TSC2):c.4538A>G (p.Glu1513Gly)

Gene: TSC2 (TSC complex subunit 2; plus strand). Cytogenetic location: 16p13.3.
Variant type: single nucleotide variant.
Coding change: c.4538A>G on transcript NM_000548.5 (MANE Select); coding-DNA position 4538, A replaced by G.
Protein change: p.Glu1513Gly; replaces glutamic acid 1513 with glycine.
Molecular consequence: missense variant.
Genome position (GRCh38, 1-based): chr16:2,084,995, A>G. VCF-style: chr16-2084995-A-G. GRCh37 (hg19) VCF-style: chr16-2134996-A-G.
Other names: c.4337A>G, p.Glu1446Gly (NM_001077183.3); c.4469A>G, p.Glu1490Gly (NM_001114382.3); c.4229A>G, p.Glu1410Gly (NM_001318827.2); c.4193A>G, p.Glu1398Gly (NM_001318829.2); c.3806A>G, p.Glu1269Gly (NM_001318831.2); c.4370A>G, p.Glu1457Gly (NM_001318832.2); c.4340A>G, p.Glu1447Gly (NM_001363528.2); c.4406A>G, p.Glu1469Gly (NM_001370404.1); and 1 more; short protein forms E1457G, E1469G, E1470G, E1513G, E1269G, E1410G, E1447G, E1490G.
Identifiers: ClinVar variation 824985 (VCV000824985.18), dbSNP rs1596422775, ClinGen allele CA394302919.

ClinVar aggregate classification (germline): Uncertain significance. Review status: criteria provided, multiple submitters, no conflicts (2 of 4 stars). 5 submissions from 5 submitters: Uncertain significance (5). Last evaluated 2025-11-10.

Conditions:
Hereditary cancer-predisposing syndrome. Also called: Neoplastic Syndromes, Hereditary; Hereditary Cancer Syndrome; Hereditary neoplastic syndrome; Tumor predisposition. Identifiers: Orphanet 140162, MedGen C0027672, MeSH D009386, MONDO:0015356.
Tuberous sclerosis syndrome (TSC). Also called: Tuberous Sclerosis Complex; Tuberous sclerosis. Identifiers: Orphanet 805, MedGen C0041341, MONDO:0001734.
Tuberous sclerosis 2 (TSC2). Identifiers: Orphanet 805, MedGen C1860707, MONDO:0013199, OMIM 613254.
Isolated focal cortical dysplasia type II (FCORD2). Also called: CORTICAL DYSPLASIA OF TAYLOR; Focal cortical dysplasia type II. Identifiers: Orphanet 268994, MedGen C1846385, MONDO:0011818, OMIM 607341, HP:0032051.
Lymphangiomyomatosis (LAM). Also called: Lymphangioleiomyomatosis, somatic; Lymphangioleiomyomatosis. Identifiers: Orphanet 538, MedGen C0751674, MONDO:0011705, OMIM 606690.

Allele frequency attached by ClinVar (database versions not stated): gnomAD exomes below 0.00001.
gnomAD v4.1: 4 of 1,613,196 alleles (0.00025%); highest among the groups gnomAD compares: Non-Finnish European, 0.00034%; no homozygotes.

Submissions (5):

Labcorp Genetics (formerly Invitae), Labcorp
Classification: Uncertain significance for Tuberous sclerosis 2. Last evaluated: 2025-11-10. Review status: criteria provided, single submitter. Criteria: Invitae Variant Classification Sherloc (09022015). Collection method: clinical testing. Allele origin: germline.
Comment: This sequence change replaces glutamic acid, which is acidic and polar, with glycine, which is neutral and non-polar, at codon 1513 of the TSC2 protein (p.Glu1513Gly). This variant is not present in population databases (gnomAD no frequency). This variant has not been reported in the literature in individuals affected with TSC2-related conditions. ClinVar contains an entry for this variant (Variation ID: 824985). Invitae Evidence Modeling of protein sequence and biophysical properties (such as structural, functional, and spatial information, amino acid conservation, physicochemical variation, residue mobility, and thermodynamic stability) indicates that this missense variant is not expected to disrupt TSC2 protein function with a negative predictive value of 95%. In summary, the available evidence is currently insufficient to determine the role of this variant in disease. Therefore, it has been classified as a Variant of Uncertain Significance.

Ambry Genetics
Classification: Uncertain significance for Hereditary cancer-predisposing syndrome. Last evaluated: 2025-01-07. Review status: criteria provided, single submitter. Criteria: Ambry Variant Classification Scheme 2023. Collection method: clinical testing. Allele origin: germline.
Comment: The p.E1513G variant (also known as c.4538A>G), located in coding exon 34 of the TSC2 gene, results from an A to G substitution at nucleotide position 4538. The glutamic acid at codon 1513 is replaced by glycine, an amino acid with similar properties. This amino acid position is highly conserved in available vertebrate species. In addition, this alteration is predicted to be deleterious by in silico analysis. Based on the available evidence, the clinical significance of this variant remains unclear.

Fulgent Genetics
Classification: Uncertain significance for Lymphangiomyomatosis; Isolated focal cortical dysplasia type II; Tuberous sclerosis 2. Last evaluated: 2024-01-12. Review status: criteria provided, single submitter. Criteria: ACMG Guidelines, 2015. Collection method: clinical testing. Allele origin: germline.

All of Us Research Program, National Institutes of Health
Classification: Uncertain significance for Tuberous sclerosis syndrome. Last evaluated: 2023-08-15. Review status: criteria provided, single submitter. Criteria: ACMG Guidelines, 2015. Collection method: clinical testing. Allele origin: germline. Inheritance: Autosomal dominant inheritance. Observed: 2 variant alleles, 2 heterozygotes.
Comment: This missense variant replaces glutamic acid with glycine at codon 1513 of the TSC2 protein. Computational prediction suggests that this variant may have deleterious impact on protein structure and function (internally defined REVEL score threshold >= 0.7, PMID: 27666373). To our knowledge, functional studies have not been reported for this variant. This variant has not been reported in individuals affected with tuberous sclerosis complex in the literature. This variant has not been identified in the general population by the Genome Aggregation Database (gnomAD). The available evidence is insufficient to determine the role of this variant in disease conclusively. Therefore, this variant is classified as a Variant of Uncertain Significance.

This study involves interpretation of variants in research participants for the purpose of population health screening. Participant phenotype was not available at the time of variant classification. Additional details can be found in publication PMID: 35346344, PMCID: PMC8962531

Genome-Nilou Lab
Classification: Uncertain significance for Tuberous sclerosis 2. Last evaluated: 2021-11-07. Review status: criteria provided, single submitter. Criteria: ACMG Guidelines, 2015. Collection method: clinical testing. Allele origin: germline. Affected: no.